The following is an entry in ClinVar:

NM_002519.3(NPAT):c.1035A>C (p.Gln345His)

Gene: NPAT (nuclear protein, coactivator of histone transcription; minus strand). Cytogenetic location: 11q22.3.
Variant type: single nucleotide variant.
Coding change: c.1035A>C on transcript NM_002519.3 (MANE Select); coding-DNA position 1035, A replaced by C.
Protein change: p.Gln345His; replaces glutamine 345 with histidine.
Molecular consequence: missense variant.
Genome position (GRCh38, 1-based): chr11:108,176,343, T>G on the plus strand (A>C on the coding strand, the complement: NPAT is on the minus strand). VCF-style: chr11-108176343-T-G. GRCh37 (hg19) VCF-style: chr11-108047070-T-G.
Other names: c.1035A>C, p.Gln345His (NM_001321307.1); short protein forms Q345H.
Identifiers: ClinVar variation 3222442 (VCV003222442.1), dbSNP rs1239046603, ClinGen allele CA382516970.

ClinVar aggregate classification (germline): Uncertain significance (1 of 4 stars; one submission).

Submission:

Ambry Genetics
Classification: Uncertain significance. Last evaluated: 2023-11-09. Review status: criteria provided, single submitter. Criteria: Ambry Variant Classification Scheme 2023. Collection method: clinical testing. Allele origin: germline.
Comment: The p.Q345H variant (also known as c.1035A>C), located in coding exon 12 of the NPAT gene, results from an A to C substitution at nucleotide position 1035. The glutamine at codon 345 is replaced by histidine, an amino acid with highly similar properties. This amino acid position is conserved. In addition, this alteration is predicted to be tolerated by in silico analysis. Since supporting evidence is limited at this time, the clinical significance of this alteration remains unclear.